The following is an entry in ClinVar:

NM_001128148.3(TFRC):c.1511C>T (p.Thr504Met)

Gene: TFRC (transferrin receptor; minus strand). Cytogenetic location: 3q29.
Variant type: single nucleotide variant.
Coding change: c.1511C>T on transcript NM_001128148.3 (MANE Select); coding-DNA position 1511, C replaced by T.
Protein change: p.Thr504Met; replaces threonine 504 with methionine.
Molecular consequence: missense variant.
Genome position (GRCh38, 1-based): chr3:196,060,205, G>A on the plus strand (C>T on the coding strand, the complement: TFRC is on the minus strand). VCF-style: chr3-196060205-G-A. GRCh37 (hg19) VCF-style: chr3-195787076-G-A.
Other names: c.1511C>T (NM_003234.2); c.1268C>T, p.Thr423Met (NM_001313965.2); c.665C>T, p.Thr222Met (NM_001313966.2); c.1511C>T, p.Thr504Met (NM_003234.4); short protein forms T222M, T423M, T504M.
Identifiers: ClinVar variation 1397739 (VCV001397739.9), dbSNP rs769366579, ClinGen allele CA2777885.

ClinVar aggregate classification (germline): Uncertain significance. Review status: criteria provided, multiple submitters, no conflicts (2 of 4 stars). 2 submissions from 2 submitters: Uncertain significance (2). Last evaluated 2025-12-27.

Conditions:
Inborn genetic diseases. Identifiers: MedGen C0950123, MeSH D030342.

gnomAD v4.1: 25 of 1,613,700 alleles (0.0015%); highest among the groups gnomAD compares: South Asian, 0.0044%; no homozygotes.

Submissions (2):

Labcorp Genetics (formerly Invitae), Labcorp
Classification: Uncertain significance. Last evaluated: 2025-12-27. Review status: criteria provided, single submitter. Criteria: Invitae Variant Classification Sherloc (09022015). Collection method: clinical testing. Allele origin: germline.
Comment: This sequence change replaces threonine, which is neutral and polar, with methionine, which is neutral and non-polar, at codon 504 of the TFRC protein (p.Thr504Met). This variant is present in population databases (rs769366579, gnomAD 0.007%). This variant has not been reported in the literature in individuals affected with TFRC-related conditions. ClinVar contains an entry for this variant (Variation ID: 1397739). Invitae Evidence Modeling of protein sequence and biophysical properties (such as structural, functional, and spatial information, amino acid conservation, physicochemical variation, residue mobility, and thermodynamic stability) indicates that this missense variant is not expected to disrupt TFRC protein function with a negative predictive value of 80%. In summary, the available evidence is currently insufficient to determine the role of this variant in disease. Therefore, it has been classified as a Variant of Uncertain Significance.

Ambry Genetics
Classification: Uncertain significance for Inborn genetic diseases. Last evaluated: 2021-08-02. Review status: criteria provided, single submitter. Criteria: Ambry Variant Classification Scheme 2023. Collection method: clinical testing. Allele origin: germline.